The following is an entry in ClinVar:

ClinVar aggregate classification (germline): Uncertain significance. Review status: criteria provided, multiple submitters, no conflicts (2 of 4 stars). 2 submissions from 2 submitters: Uncertain significance (2). Last evaluated 2024-01-08.

Conditions:
Brugada syndrome. Also called: Sudden unexplained nocturnal death syndrome; Sudden Unexplained Death Syndrome; Sudden Unexplained Nocturnal Death Syndrome (SUNDS); Sudden unexpected nocturnal death syndrome. Identifiers: Orphanet 130, MedGen C1142166, MONDO:0015263.
Long QT syndrome (LQTS). Identifiers: MedGen C0023976, MeSH D008133, MONDO:0002442. Disease mechanism: loss of function. Inheritance: Various modes of inheritance.

Allele frequency attached by ClinVar (database versions not stated): gnomAD below 0.00001 and 0.00001; gnomAD exomes below 0.00001; TOPMed 0.00002.
gnomAD v4.1: 9 of 1,614,010 alleles (0.00056%); highest among the groups gnomAD compares: Middle Eastern, 0.033%; no homozygotes.

Submissions (2):

Dept of Medical Biology, Uskudar University
Classification: Uncertain significance for Long QT syndrome. Last evaluated: 2024-01-08. Review status: criteria provided, single submitter. Criteria: Dept of Medical Biology Variant Classification. Collection method: research. Allele origin: paternal. Affected: yes. Observed: 1 variant allele.
Comment: Criteria: PM2, PP3

Labcorp Genetics (formerly Invitae), Labcorp
Classification: Uncertain significance for Brugada syndrome. Last evaluated: 2018-09-06. Review status: criteria provided, single submitter. Criteria: Invitae Variant Classification Sherloc (09022015). Collection method: clinical testing. Allele origin: germline.
Comment: This sequence change replaces alanine with valine at codon 227 of the GPD1L protein (p.Ala227Val). The alanine residue is highly conserved and there is a small physicochemical difference between alanine and valine. This variant is not present in population databases (ExAC no frequency). This variant has not been reported in the literature in individuals with GPD1L-related disease. Algorithms developed to predict the effect of missense changes on protein structure and function are either unavailable or do not agree on the potential impact of this missense change (SIFT: "Tolerated"; PolyPhen-2: "Probably Damaging"; Align-GVGD: "Class C0"). In summary, the available evidence is currently insufficient to determine the role of this variant in disease. Therefore, it has been classified as a Variant of Uncertain Significance.

NM_015141.4(GPD1L):c.680C>T (p.Ala227Val)

Gene: GPD1L (glycerol-3-phosphate dehydrogenase 1 like; plus strand). Cytogenetic location: 3p22.3.
Variant type: single nucleotide variant.
Coding change: c.680C>T on transcript NM_015141.4 (MANE Select); coding-DNA position 680, C replaced by T.
Protein change: p.Ala227Val; replaces alanine 227 with valine.
Molecular consequence: missense variant.
Genome position (GRCh38, 1-based): chr3:32,158,937, C>T. VCF-style: chr3-32158937-C-T. GRCh37 (hg19) VCF-style: chr3-32200429-C-T.
Other names: short protein forms A227V.
Identifiers: ClinVar variation 647041 (VCV000647041.4), dbSNP rs980532320, ClinGen allele CA72530055.